The following is an entry in ClinVar:

NM_006648.4(WNK2):c.4781G>C (p.Arg1594Pro)

Gene: WNK2 (WNK lysine deficient protein kinase 2; plus strand). Cytogenetic location: 9q22.31.
Variant type: single nucleotide variant.
Coding change: c.4781G>C on transcript NM_006648.4 (MANE Select); coding-DNA position 4781, G replaced by C.
Protein change: p.Arg1594Pro; replaces arginine 1594 with proline.
Molecular consequence: missense variant.
Genome position (GRCh38, 1-based): chr9:93,289,535, G>C. VCF-style: chr9-93289535-G-C. GRCh37 (hg19) VCF-style: chr9-96051817-G-C.
Other names: c.4892G>C, p.Arg1631Pro (NM_001282394.3); short protein forms R1631P, R1594P.
Identifiers: ClinVar variation 3816773 (VCV003816773.1).
Genomic context (GRCh38, chr9:93,289,535, plus strand): 5'-CCCCTGTGGAGGTGGGCGACAGAGACTTCACCCTGGAGCCCCTGAGAGGGGACCAGCCCC[G>C]CTCAGAGGTCTGCGGGGGGGACCTGGCCCTGCCCCCAGTGCCTAAGGAGGCGGTCTCAGG-3'
Protein context (NP_006639.3, residues 1584-1604): TLEPLRGDQP[Arg1594Pro]SEVCGGDLAL

ClinVar aggregate classification (germline): Uncertain significance (1 of 4 stars; one submission).

gnomAD v4.1: 1 of 1,585,364 alleles (0.000063%); highest among the groups gnomAD compares: Non-Finnish European, 0.000086%; no homozygotes.

Submission:

Ambry Genetics
Classification: Uncertain significance. Last evaluated: 2025-01-08. Review status: criteria provided, single submitter. Criteria: Ambry Variant Classification Scheme 2023. Collection method: clinical testing. Allele origin: germline.
Comment: The p.R1594P variant (also known as c.4781G>C), located in coding exon 19 of the WNK2 gene, results from a G to C substitution at nucleotide position 4781. The arginine at codon 1594 is replaced by proline, an amino acid with dissimilar properties. This amino acid position is conserved. In addition, this alteration is predicted to be tolerated by in silico analysis. Based on the available evidence, the clinical significance of this variant remains unclear.